The following is an entry in ClinVar:

NM_032888.4(COL27A1):c.793G>A (p.Ala265Thr)

Gene: COL27A1 (collagen type XXVII alpha 1 chain; plus strand). Cytogenetic location: 9q32.
Variant type: single nucleotide variant.
Coding change: c.793G>A on transcript NM_032888.4 (MANE Select); coding-DNA position 793, G replaced by A.
Protein change: p.Ala265Thr; replaces alanine 265 with threonine.
Molecular consequence: missense variant.
Genome position (GRCh38, 1-based): chr9:114,168,348, G>A. VCF-style: chr9-114168348-G-A. GRCh37 (hg19) VCF-style: chr9-116930628-G-A.
Other names: short protein forms A265T.
Identifiers: ClinVar variation 774433 (VCV000774433.14), dbSNP rs34578955, ClinGen allele CA5201233.

ClinVar aggregate classification (germline): Benign. Review status: criteria provided, multiple submitters, no conflicts (2 of 4 stars). 3 submissions from 3 submitters: Benign (3). Last evaluated 2026-02-02.

Allele frequency attached by ClinVar (database versions not stated): gnomAD exomes 0.00429; ExAC 0.00526; 1000 Genomes Project 0.01458; 1000 Genomes Project 30x 0.01499; gnomAD 0.01630 and 0.01748; ESP Exome Variant Server 0.01884; TOPMed 0.01884.
gnomAD v4.1: 4,866 of 1,613,178 alleles (0.3%); highest among the groups gnomAD compares: African/African-American, 5.4%; 120 homozygotes.

Submissions (3):

Labcorp Genetics (formerly Invitae), Labcorp
Classification: Benign. Last evaluated: 2026-02-02. Review status: criteria provided, single submitter. Criteria: Invitae Variant Classification Sherloc (09022015). Collection method: clinical testing. Allele origin: germline.

GeneDx
Classification: Benign. Last evaluated: 2018-07-13. Review status: criteria provided, single submitter. Criteria: GeneDx Variant Classification Process June 2021. Collection method: clinical testing. Allele origin: germline. Affected: yes.
Comment: This variant is associated with the following publications: (PMID: 29547645)

Breakthrough Genomics
Classification: Benign. Review status: criteria provided, single submitter. Criteria: ACMG Guidelines, 2015. Collection method: not provided. Allele origin: germline. Inheritance: Autosomal recessive inheritance. Affected: yes.